The following is an entry in ClinVar:

NM_001377229.1(DISP1):c.4309_4312del (p.Gly1437fs)

Gene: DISP1 (dispatched RND transporter family member 1; plus strand). Cytogenetic location: 1q41.
Variant type: Deletion.
Coding change: c.4309_4312del on transcript NM_001377229.1 (MANE Select); coding-DNA positions 4309 to 4312, 4 bases deleted (GGGA; older notation c.4309_4312delGGGA).
Protein change: p.Gly1437fs; shifts the reading frame from glycine 1437.
Molecular consequence: frameshift variant.
Genome position (GRCh38, 1-based): chr1:223,005,706-223,005,709, GGGA deleted; deleting any 4 consecutive bases within chr1:223,005,703-223,005,709 gives the same sequence; the c. name uses the placement nearest the transcript's 3' end. VCF-style (leftmost placement, unchanged base first): chr1-223005702-AGGAG-A. GRCh37 (hg19) VCF-style: chr1-223179044-AGGAG-A.
Other names: c.4309_4312delGGGA (NM_032890.5); c.3580_3583del, p.Gly1194fs (NM_001350630.2); c.4309_4312del, p.Gly1437fs (NM_001369594.1, NM_001377228.1, NM_032890.5); short protein forms G1194fs, G1437fs.
Identifiers: ClinVar variation 4850666 (VCV004850666.1).

ClinVar aggregate classification (germline): Likely pathogenic (1 of 4 stars; one submission).

Conditions:
Holoprosencephaly 10. Identifiers: MedGen C2675857, MONDO:0976262, OMIM 621143.

Submission:

First Genomix Gene Laboratory, Genetic Diagnostics Department
Classification: Likely pathogenic for Holoprosencephaly 10. Last evaluated: 2025-08-04. Review status: criteria provided, single submitter. Criteria: ACMG Guidelines, 2015. Collection method: clinical testing. Allele origin: germline. Inheritance: Autosomal recessive inheritance. Affected: no. Observed: 1 variant allele.